The following is an entry in ClinVar:

ClinVar aggregate classification (germline): Uncertain significance. Review status: criteria provided, multiple submitters, no conflicts (2 of 4 stars). 2 submissions from 2 submitters: Uncertain significance (2). Last evaluated 2024-10-30.

Conditions:
DICER1-related tumor predisposition. Also called: DICER1-related pleuropulmonary blastoma cancer predisposition syndrome; DICER1 syndrome. Identifiers: Orphanet 284343, MedGen C3839822, MONDO:0100216.
Hereditary cancer-predisposing syndrome. Also called: Neoplastic Syndromes, Hereditary; Tumor predisposition; Hereditary Cancer Syndrome; Hereditary neoplastic syndrome. Identifiers: Orphanet 140162, MedGen C0027672, MeSH D009386, MONDO:0015356.

Submissions (2):

Ambry Genetics
Classification: Uncertain significance for Hereditary cancer-predisposing syndrome. Last evaluated: 2024-10-30. Review status: criteria provided, single submitter. Criteria: Ambry Variant Classification Scheme 2023. Collection method: clinical testing. Allele origin: germline.
Comment: The p.Y664C variant (also known as c.1991A>G), located in coding exon 11 of the DICER1 gene, results from an A to G substitution at nucleotide position 1991. The tyrosine at codon 664 is replaced by cysteine, an amino acid with highly dissimilar properties. This amino acid position is well conserved in available vertebrate species. In addition, this alteration is predicted to be tolerated by in silico analysis. Based on the available evidence, the clinical significance of this variant remains unclear.

Labcorp Genetics (formerly Invitae), Labcorp
Classification: Uncertain significance for DICER1-related tumor predisposition. Last evaluated: 2022-05-11. Review status: criteria provided, single submitter. Criteria: Invitae Variant Classification Sherloc (09022015). Collection method: clinical testing. Allele origin: germline.
Comment: Algorithms developed to predict the effect of missense changes on protein structure and function (SIFT, PolyPhen-2, Align-GVGD) all suggest that this variant is likely to be tolerated. In summary, the available evidence is currently insufficient to determine the role of this variant in disease. Therefore, it has been classified as a Variant of Uncertain Significance. ClinVar contains an entry for this variant (Variation ID: 543614). This variant has not been reported in the literature in individuals affected with DICER1-related conditions. This variant is not present in population databases (gnomAD no frequency). This sequence change replaces tyrosine, which is neutral and polar, with cysteine, which is neutral and slightly polar, at codon 664 of the DICER1 protein (p.Tyr664Cys).

NM_177438.3(DICER1):c.1991A>G (p.Tyr664Cys)

Gene: DICER1 (dicer 1, ribonuclease III; minus strand). Cytogenetic location: 14q32.13.
Variant type: single nucleotide variant.
Coding change: c.1991A>G on transcript NM_177438.3 (MANE Select); coding-DNA position 1991, A replaced by G.
Protein change: p.Tyr664Cys; replaces tyrosine 664 with cysteine.
Molecular consequence: missense variant.
Genome position (GRCh38, 1-based): chr14:95,113,141, T>C on the plus strand (A>G on the coding strand, the complement: DICER1 is on the minus strand). VCF-style: chr14-95113141-T-C. GRCh37 (hg19) VCF-style: chr14-95579478-T-C.
Other names: c.1991A>G, p.Tyr664Cys (NM_001195573.1, NM_001271282.3, NM_001291628.2 and 1 more transcripts); short protein forms Y664C.
Identifiers: ClinVar variation 543614 (VCV000543614.14), dbSNP rs1555372066, ClinGen allele CA390883251.